The following is an entry in ClinVar:

NM_012123.4(MTO1):c.470A>G (p.Asp157Gly)

Gene: MTO1 (mitochondrial tRNA translation optimization 1; plus strand). Cytogenetic location: 6q13.
Variant type: single nucleotide variant.
Coding change: c.470A>G on transcript NM_012123.4 (MANE Select); coding-DNA position 470, A replaced by G.
Protein change: p.Asp157Gly; replaces aspartic acid 157 with glycine.
Molecular consequence: missense variant.
Genome position (GRCh38, 1-based): chr6:73,466,541, A>G. VCF-style: chr6-73466541-A-G. GRCh37 (hg19) VCF-style: chr6-74176264-A-G.
Other names: c.470A>G (NM_001123226.1); c.470A>G, p.Asp157Gly (NM_001123226.2, NM_133645.3); short protein forms D157G.
Identifiers: ClinVar variation 3896923 (VCV003896923.2).

ClinVar aggregate classification (germline): Uncertain significance. Review status: criteria provided, multiple submitters, no conflicts (2 of 4 stars). 2 submissions from 2 submitters: Uncertain significance (2). Last evaluated 2025-08-02.

Conditions:
Inborn genetic diseases. Identifiers: MedGen C0950123, MeSH D030342.

gnomAD v4.1: 8 of 1,614,090 alleles (0.0005%); highest among the groups gnomAD compares: Admixed American, 0.013%; no homozygotes.

Submissions (2):

Ambry Genetics
Classification: Uncertain significance for Inborn genetic diseases. Last evaluated: 2025-08-02. Review status: criteria provided, single submitter. Criteria: Ambry Variant Classification Scheme 2023. Collection method: clinical testing. Allele origin: germline.

Kariminejad - Najmabadi Pathology & Genetics Center
Classification: Uncertain significance. Last evaluated: 2024-01-17. Review status: criteria provided, single submitter. Criteria: ACMG Guidelines, 2015. Collection method: clinical testing. Allele origin: germline. Inheritance: Autosomal recessive inheritance. Affected: yes.
Comment: PM2, PP3